The following is an entry in ClinVar:

ClinVar aggregate classification (germline): Uncertain significance (1 of 4 stars; one submission).

Conditions:
Cardiovascular phenotype. Identifiers: MedGen CN230736.

Submission:

Ambry Genetics
Classification: Uncertain significance for Cardiovascular phenotype. Last evaluated: 2026-03-30. Review status: criteria provided, single submitter. Criteria: Ambry Variant Classification Scheme 2023. Collection method: clinical testing. Allele origin: germline.
Comment: The p.G430C variant (also known as c.1288G>T), located in coding exon 7 of the SPRED1 gene, results from a G to T substitution at nucleotide position 1288. The glycine at codon 430 is replaced by cysteine, an amino acid with highly dissimilar properties. This amino acid position is conserved. In addition, this alteration is predicted to be deleterious by in silico analysis. Based on the available evidence, the clinical significance of this variant remains unclear.

NM_152594.3(SPRED1):c.1288G>T (p.Gly430Cys)

Gene: SPRED1 (sprouty related EVH1 domain containing 1; plus strand). Cytogenetic location: 15q14.
Variant type: single nucleotide variant.
Coding change: c.1288G>T on transcript NM_152594.3 (MANE Select); coding-DNA position 1288, G replaced by T.
Protein change: p.Gly430Cys; replaces glycine 430 with cysteine.
Molecular consequence: missense variant.
Genome position (GRCh38, 1-based): chr15:38,351,617, G>T. VCF-style: chr15-38351617-G-T. GRCh37 (hg19) VCF-style: chr15-38643818-G-T.
Other names: short protein forms G430C.
Identifiers: ClinVar variation 4865012 (VCV004865012.1).
Genomic context (GRCh38, chr15:38,351,617, plus strand): 5'-TTGTCTTTCATTGTACCATGTATGTGCTGCTACGTCCCTTTGAGAATGTGCCATCGCTGT[G>T]GTGAGGCATGTGGTTGCTGTGGTGGGAAACATAAAGCTGCTGGATGAAATGGTCCAGTGC-3'
Protein context (NP_689807.1, residues 420-440): YVPLRMCHRC[Gly430Cys]EACGCCGGKH